The following is an entry in ClinVar:

NM_201384.3(PLEC):c.4486G>A (p.Ala1496Thr)

Gene: PLEC (plectin; minus strand). Cytogenetic location: 8q24.3.
Variant type: single nucleotide variant.
Coding change: c.4486G>A on transcript NM_201384.3 (MANE Select); coding-DNA position 4486, G replaced by A.
Protein change: p.Ala1496Thr; replaces alanine 1496 with threonine.
Molecular consequence: missense variant. On other transcripts: intron variant (1).
Genome position (GRCh38, 1-based): chr8:143,925,443, C>T on the plus strand (G>A on the coding strand, the complement: PLEC is on the minus strand). VCF-style: chr8-143925443-C-T. GRCh37 (hg19) VCF-style: chr8-144999611-C-T.
Other names: c.4567G>A, p.Ala1523Thr (NM_000445.5); c.4444G>A, p.Ala1482Thr (NM_201378.4); c.4420G>A, p.Ala1474Thr (NM_201379.3); c.4897G>A, p.Ala1633Thr (NM_201380.4); c.4390G>A, p.Ala1464Thr (NM_201381.3); c.4486G>A, p.Ala1496Thr (NM_201382.4); c.4498G>A, p.Ala1500Thr (NM_201383.3); c.4125+1341G>A (NM_001410941.1); short protein forms A1496T, A1500T, A1464T, A1482T, A1523T, A1633T, A1474T.
Identifiers: ClinVar variation 2935961 (VCV002935961.3), dbSNP rs1192430089, ClinGen allele CA372556319.

ClinVar aggregate classification (germline): Uncertain significance (1 of 4 stars; one submission).

Conditions:
Epidermolysis bullosa simplex with nail dystrophy (EBS5D). Identifiers: MedGen C4225309, MONDO:0014661, OMIM 616487.
Epidermolysis bullosa simplex 5C, with pyloric atresia (EBS5C). Also called: PLEC-Related Epidermolysis Bullosa with Pyloric Atresia; Epidermolysis bullosa simplex with pyloric atresia; PLEC1-Related Epidermolysis Bullosa with Pyloric Atresia. Identifiers: Orphanet 158684, MedGen C2677349, MONDO:0012807, OMIM 612138.
Autosomal recessive limb-girdle muscular dystrophy type 2Q (LGMDR17). Also called: MUSCULAR DYSTROPHY, LIMB-GIRDLE, AUTOSOMAL RECESSIVE 17. Identifiers: Orphanet 254361, MedGen C3150989, MONDO:0013390, OMIM 613723.
Epidermolysis bullosa simplex, Ogna type (EBS5A). Also called: Pidermolysis bullosa simplex 5A, Ogna type; EPIDERMOLYSIS BULLOSA SIMPLEX 5A, OGNA TYPE. Identifiers: Orphanet 79401, MedGen C0432317, MONDO:0007555, OMIM 131950.
Epidermolysis bullosa simplex 5B, with muscular dystrophy (EBS5B). Also called: EPIDERMOLYSIS BULLOSA SIMPLEX AND LIMB-GIRDLE MUSCULAR DYSTROPHY; Epidermolysis bullosa simplex with muscular dystrophy. Identifiers: Orphanet 257, MedGen C2931072, MONDO:0009181, OMIM 226670.

Allele frequency attached by ClinVar (database versions not stated): TOPMed below 0.00001; gnomAD 0.00001.
gnomAD v4.1: 3 of 1,595,642 alleles (0.00019%); highest among the groups gnomAD compares: Non-Finnish European, 0.00017%; no homozygotes.

Submission:

Labcorp Genetics (formerly Invitae), Labcorp
Classification: Uncertain significance for Autosomal recessive limb-girdle muscular dystrophy type 2Q; Epidermolysis bullosa simplex, Ogna type; Epidermolysis bullosa simplex with nail dystrophy; Epidermolysis bullosa simplex 5C, with pyloric atresia; Epidermolysis bullosa simplex 5B, with muscular dystrophy. Last evaluated: 2023-05-25. Review status: criteria provided, single submitter. Criteria: Invitae Variant Classification Sherloc (09022015). Collection method: clinical testing. Allele origin: germline.
Comment: This variant has not been reported in the literature in individuals affected with PLEC-related conditions. Advanced modeling of protein sequence and biophysical properties (such as structural, functional, and spatial information, amino acid conservation, physicochemical variation, residue mobility, and thermodynamic stability) has been performed at Invitae for this missense variant, however the output from this modeling did not meet the statistical confidence thresholds required to predict the impact of this variant on PLEC protein function. In summary, the available evidence is currently insufficient to determine the role of this variant in disease. Therefore, it has been classified as a Variant of Uncertain Significance. This sequence change replaces alanine, which is neutral and non-polar, with threonine, which is neutral and polar, at codon 1523 of the PLEC protein (p.Ala1523Thr). This variant is not present in population databases (gnomAD no frequency).